The following is an entry in ClinVar:

NM_022725.4(FANCF):c.88dup (p.Thr30fs)

Gene: FANCF (FA complementation group F; minus strand). Cytogenetic location: 11p14.3.
Variant type: Duplication.
Coding change: c.88dup on transcript NM_022725.4 (MANE Select); coding-DNA position 88, one base duplicated (A; older notation c.88dupA).
Protein change: p.Thr30fs; shifts the reading frame from threonine 30.
Molecular consequence: frameshift variant.
Genome position (GRCh38, 1-based): chr11:22,625,723, T duplicated on the plus strand (A on the coding strand, the reverse complement: FANCF is on the minus strand). VCF-style (leftmost placement, unchanged base first): chr11-22625722-G-GT. GRCh37 (hg19) VCF-style: chr11-22647268-G-GT.
Other names: short protein forms T30fs.
Identifiers: ClinVar variation 2096716 (VCV002096716.4), dbSNP rs2494871401, ClinGen allele CA2580082877.

ClinVar aggregate classification (germline): Pathogenic (1 of 4 stars; one submission).

Conditions:
Fanconi anemia (FA). Also called: Fanconi's anemia. Identifiers: Orphanet 84, MedGen C0015625, MeSH D005199, MONDO:0019391.

Submission:

Labcorp Genetics (formerly Invitae), Labcorp
Classification: Pathogenic for Fanconi anemia. Last evaluated: 2022-02-11. Review status: criteria provided, single submitter. Criteria: Invitae Variant Classification Sherloc (09022015). Collection method: clinical testing. Allele origin: germline.
Comment: For these reasons, this variant has been classified as Pathogenic. This variant disrupts a region of the FANCF protein in which other variant(s) (p.Leu162Aspfs*103) have been determined to be pathogenic (PMID: 26033879, 27714961, 28102861). This suggests that this is a clinically significant region of the protein, and that variants that disrupt it are likely to be disease-causing. This variant has not been reported in the literature in individuals affected with FANCF-related conditions. This variant is not present in population databases (gnomAD no frequency). This sequence change creates a premature translational stop signal (p.Thr30Asnfs*61) in the FANCF gene. While this is not anticipated to result in nonsense mediated decay, it is expected to disrupt the last 345 amino acid(s) of the FANCF protein.

Literature cited by the submitters: PubMed 26033879; PubMed 27714961; PubMed 28102861.